The following is an entry in ClinVar:

NM_018163.3(DNAJC17):c.671T>A (p.Val224Asp)

Gene: DNAJC17 (DnaJ heat shock protein family (Hsp40) member C17; minus strand). Cytogenetic location: 15q15.1.
Variant type: single nucleotide variant.
Coding change: c.671T>A on transcript NM_018163.3 (MANE Select); coding-DNA position 671, T replaced by A.
Protein change: p.Val224Asp; replaces valine 224 with aspartic acid.
Molecular consequence: missense variant.
Genome position (GRCh38, 1-based): chr15:40,774,366, A>T on the plus strand (T>A on the coding strand, the complement: DNAJC17 is on the minus strand). VCF-style: chr15-40774366-A-T. GRCh37 (hg19) VCF-style: chr15-41066564-A-T.
Other names: short protein forms V224D.
Identifiers: ClinVar variation 2145941 (VCV002145941.4), dbSNP rs548038695, ClinGen allele CA7485059.

ClinVar aggregate classification (germline): Uncertain significance (1 of 4 stars; one submission).

Allele frequency attached by ClinVar (database versions not stated): TOPMed 0.00002; gnomAD 0.00011; gnomAD exomes 0.00012; ExAC 0.00022; 1000 Genomes Project 30x 0.00109; 1000 Genomes Project 0.00140.
gnomAD v4.1: 193 of 1,613,966 alleles (0.012%); highest among the groups gnomAD compares: South Asian, 0.2%; 1 homozygote.

Submission:

Labcorp Genetics (formerly Invitae), Labcorp
Classification: Uncertain significance. Last evaluated: 2025-09-21. Review status: criteria provided, single submitter. Criteria: Invitae Variant Classification Sherloc (09022015). Collection method: clinical testing. Allele origin: germline.
Comment: This sequence change replaces valine, which is neutral and non-polar, with aspartic acid, which is acidic and polar, at codon 224 of the DNAJC17 protein (p.Val224Asp). This variant is present in population databases (rs548038695, gnomAD 0.2%), and has an allele count higher than expected for a pathogenic variant. This variant has not been reported in the literature in individuals affected with DNAJC17-related conditions. ClinVar contains an entry for this variant (Variation ID: 2145941). An algorithm developed to predict the effect of missense changes on protein structure and function (PolyPhen-2) suggests that this variant is likely to be disruptive. In summary, the available evidence is currently insufficient to determine the role of this variant in disease. Therefore, it has been classified as a Variant of Uncertain Significance.